The following is an entry in ClinVar:

NM_000540.3(RYR1):c.12449C>G (p.Ser4150Trp)

Gene: RYR1 (ryanodine receptor 1; plus strand). Cytogenetic location: 19q13.2.
Variant type: single nucleotide variant.
Coding change: c.12449C>G on transcript NM_000540.3 (MANE Select); coding-DNA position 12449, C replaced by G.
Protein change: p.Ser4150Trp; replaces serine 4150 with tryptophan.
Molecular consequence: missense variant.
Genome position (GRCh38, 1-based): chr19:38,561,279, C>G. VCF-style: chr19-38561279-C-G. GRCh37 (hg19) VCF-style: chr19-39051919-C-G.
Other names: c.12434C>G, p.Ser4145Trp (NM_001042723.2); short protein forms S4150W, S4145W.
Identifiers: ClinVar variation 478172 (VCV000478172.11), dbSNP rs143843083, ClinGen allele CA058887.

ClinVar aggregate classification (germline): Uncertain significance. Review status: criteria provided, multiple submitters, no conflicts (2 of 4 stars). 3 submissions from 3 submitters: Uncertain significance (3). Last evaluated 2025-12-17.

Conditions:
RYR1-related disorder. Also called: RYR1-related condition; RYR1-related disorders. Identifiers: MedGen CN239331.
Inborn genetic diseases. Identifiers: MedGen C0950123, MeSH D030342.
Malignant hyperthermia, susceptibility to, 1 (MHS1). Also called: Anesthesia related hyperthermia; Malignant hyperpyrexia; Fulminating hyperpyrexia; Pharmacogenic myopathy; RYR1-Related Malignant Hyperthermia Susceptibility; Malignant hyperthermia suceptibility 1. Identifiers: Orphanet 423, MedGen C2930980, MONDO:0007783, OMIM 145600.

Allele frequency attached by ClinVar (database versions not stated): TOPMed 0.00003; ESP Exome Variant Server 0.00008; 1000 Genomes Project 0.00020; 1000 Genomes Project 30x 0.00031; gnomAD 0.00001; gnomAD exomes 0.00001; ExAC 0.00002.
gnomAD v4.1: 6 of 1,614,048 alleles (0.00037%); highest among the groups gnomAD compares: African/African-American, 0.008%; no homozygotes.

Submissions (3):

Ambry Genetics
Classification: Uncertain significance for Inborn genetic diseases. Last evaluated: 2025-12-17. Review status: criteria provided, single submitter. Criteria: Ambry Variant Classification Scheme 2023. Collection method: clinical testing. Allele origin: germline.

Labcorp Genetics (formerly Invitae), Labcorp
Classification: Uncertain significance for RYR1-related disorder. Last evaluated: 2025-06-19. Review status: criteria provided, single submitter. Criteria: Invitae Variant Classification Sherloc (09022015). Collection method: clinical testing. Allele origin: germline.
Comment: This sequence change replaces serine, which is neutral and polar, with tryptophan, which is neutral and slightly polar, at codon 4150 of the RYR1 protein (p.Ser4150Trp). The frequency data for this variant in the population databases is considered unreliable, as metrics indicate poor data quality at this position in the gnomAD database. This variant has not been reported in the literature in individuals affected with RYR1-related conditions. ClinVar contains an entry for this variant (Variation ID: 478172). Invitae Evidence Modeling of protein sequence and biophysical properties (such as structural, functional, and spatial information, amino acid conservation, physicochemical variation, residue mobility, and thermodynamic stability) indicates that this missense variant is not expected to disrupt RYR1 protein function with a negative predictive value of 80%. In summary, the available evidence is currently insufficient to determine the role of this variant in disease. Therefore, it has been classified as a Variant of Uncertain Significance.

All of Us Research Program, National Institutes of Health
Classification: Uncertain significance for Malignant hyperthermia, susceptibility to, 1. Last evaluated: 2023-12-01. Review status: criteria provided, single submitter. Criteria: ACMG Guidelines, 2015. Collection method: clinical testing. Allele origin: germline. Inheritance: Autosomal dominant inheritance. Observed: 3 variant alleles, 3 heterozygotes.
Comment: This study involves interpretation of variants in research participants for the purpose of population health screening. Participant phenotype was not available at the time of variant classification. Additional details can be found in publication PMID: 35346344, PMCID: PMC8962531